The following is an entry in ClinVar:

NM_013328.4(PYCR2):c.508G>A (p.Val170Ile)

Gene: PYCR2 (pyrroline-5-carboxylate reductase 2; minus strand). Cytogenetic location: 1q42.12.
Variant type: single nucleotide variant.
Coding change: c.508G>A on transcript NM_013328.4 (MANE Select); coding-DNA position 508, G replaced by A.
Protein change: p.Val170Ile; replaces valine 170 with isoleucine.
Molecular consequence: missense variant. On other transcripts: intron variant (1).
Genome position (GRCh38, 1-based): chr1:225,921,890, C>T on the plus strand (G>A on the coding strand, the complement: PYCR2 is on the minus strand). VCF-style: chr1-225921890-C-T. GRCh37 (hg19) VCF-style: chr1-226109590-C-T.
Other names: c.319-246G>A (NM_001271681.2); short protein forms V170I.
Identifiers: ClinVar variation 1522481 (VCV001522481.5), dbSNP rs779789219, ClinGen allele CA1420205.

ClinVar aggregate classification (germline): Uncertain significance (1 of 4 stars; one submission).

Allele frequency attached by ClinVar (database versions not stated): TOPMed below 0.00001; gnomAD exomes 0.00001; ExAC 0.00003.

Submission:

Labcorp Genetics (formerly Invitae), Labcorp
Classification: Uncertain significance. Last evaluated: 2023-06-29. Review status: criteria provided, single submitter. Criteria: Invitae Variant Classification Sherloc (09022015). Collection method: clinical testing. Allele origin: germline.
Comment: In summary, the available evidence is currently insufficient to determine the role of this variant in disease. Therefore, it has been classified as a Variant of Uncertain Significance. Advanced modeling of protein sequence and biophysical properties (such as structural, functional, and spatial information, amino acid conservation, physicochemical variation, residue mobility, and thermodynamic stability) performed at Invitae indicates that this missense variant is not expected to disrupt PYCR2 protein function. ClinVar contains an entry for this variant (Variation ID: 1522481). This variant has not been reported in the literature in individuals affected with PYCR2-related conditions. This variant is present in population databases (rs779789219, gnomAD 0.003%). This sequence change replaces valine, which is neutral and non-polar, with isoleucine, which is neutral and non-polar, at codon 170 of the PYCR2 protein (p.Val170Ile).